The following is an entry in ClinVar:

NM_007198.4(PLPBP):c.502A>G (p.Ile168Val)

Gene: PLPBP (pyridoxal phosphate binding protein; plus strand). Cytogenetic location: 8p11.23.
Variant type: single nucleotide variant.
Coding change: c.502A>G on transcript NM_007198.4 (MANE Select); coding-DNA position 502, A replaced by G.
Protein change: p.Ile168Val; replaces isoleucine 168 with valine.
Molecular consequence: missense variant.
Genome position (GRCh38, 1-based): chr8:37,775,386, A>G. VCF-style: chr8-37775386-A-G. GRCh37 (hg19) VCF-style: chr8-37632904-A-G.
Other names: c.532A>G, p.Ile178Val (NM_001349346.2); c.496A>G, p.Ile166Val (NM_001349347.2); c.346A>G, p.Ile116Val (NM_001349348.2); short protein forms I116V, I178V, I166V, I168V.
Identifiers: ClinVar variation 1968233 (VCV001968233.5), dbSNP rs1052077091, ClinGen allele CA175039704.

ClinVar aggregate classification (germline): Uncertain significance (1 of 4 stars; one submission).

Allele frequency attached by ClinVar (database versions not stated): gnomAD exomes below 0.00001; TOPMed below 0.00001.
gnomAD v4.1: 2 of 1,614,260 alleles (0.00012%); highest among the groups gnomAD compares: Non-Finnish European, 0.00017%; no homozygotes.

Submission:

Labcorp Genetics (formerly Invitae), Labcorp
Classification: Uncertain significance. Last evaluated: 2025-12-01. Review status: criteria provided, single submitter. Criteria: Invitae Variant Classification Sherloc (09022015). Collection method: clinical testing. Allele origin: germline.
Comment: This sequence change replaces isoleucine, which is neutral and non-polar, with valine, which is neutral and non-polar, at codon 168 of the PROSC protein (p.Ile168Val). This variant is not present in population databases (gnomAD no frequency). This variant has not been reported in the literature in individuals affected with PROSC-related conditions. ClinVar contains an entry for this variant (Variation ID: 1968233). Invitae Evidence Modeling of protein sequence and biophysical properties (such as structural, functional, and spatial information, amino acid conservation, physicochemical variation, residue mobility, and thermodynamic stability) indicates that this missense variant is not expected to disrupt PROSC protein function with a negative predictive value of 80%. In summary, the available evidence is currently insufficient to determine the role of this variant in disease. Therefore, it has been classified as a Variant of Uncertain Significance.